The following is an entry in ClinVar:

NM_000038.6(APC):c.5155G>A (p.Glu1719Lys)

Gene: APC (APC regulator of Wnt signaling pathway; plus strand). Cytogenetic location: 5q22.2.
Variant type: single nucleotide variant.
Coding change: c.5155G>A on transcript NM_000038.6 (MANE Select); coding-DNA position 5155, G replaced by A.
Protein change: p.Glu1719Lys; replaces glutamic acid 1719 with lysine.
Molecular consequence: missense variant. On other transcripts: non-coding transcript variant (2).
Genome position (GRCh38, 1-based): chr5:112,840,749, G>A. VCF-style: chr5-112840749-G-A. GRCh37 (hg19) VCF-style: chr5-112176446-G-A.
Other names: c.4768G>A, p.Glu1590Lys (NM_001407469.1, NM_001407467.1); c.4306G>A, p.Glu1436Lys (NM_001407470.1, NM_001354906.2); c.4003G>A, p.Glu1335Lys (NM_001407471.1, NM_001407472.1); c.4906G>A, p.Glu1636Lys (NM_001407456.1, NM_001407457.1, NM_001407454.1 and 1 more transcripts); c.4852G>A, p.Glu1618Lys (NM_001407458.1, NM_001407459.1, NM_001407460.1 and 1 more transcripts); c.5155G>A, p.Glu1719Lys (NM_001127510.3, NM_001354895.2, NM_001407450.1); c.5101G>A, p.Glu1701Lys (NM_001127511.3); c.5209G>A, p.Glu1737Lys (NM_001354896.2, NM_001407447.1, NM_001407448.1 and 1 more transcripts); and 11 more; short protein forms E1335K, E1436K, E1559K, E1590K, E1593K, E1618K, E1628K, E1636K.
Identifiers: ClinVar variation 4862060 (VCV004862060.1).

ClinVar aggregate classification (germline): Uncertain significance (1 of 4 stars; one submission).

Conditions:
Hereditary cancer-predisposing syndrome. Also called: Neoplastic Syndromes, Hereditary; Tumor predisposition; Hereditary Cancer Syndrome; Hereditary neoplastic syndrome. Identifiers: Orphanet 140162, MedGen C0027672, MeSH D009386, MONDO:0015356.

Submission:

Ambry Genetics
Classification: Uncertain significance for Hereditary cancer-predisposing syndrome. Last evaluated: 2026-06-09. Review status: criteria provided, single submitter. Criteria: Ambry Variant Classification Scheme 2023. Collection method: clinical testing. Allele origin: germline.
Comment: The p.E1719K variant (also known as c.5155G>A), located in coding exon 15 of the APC gene, results from a G to A substitution at nucleotide position 5155. The glutamic acid at codon 1719 is replaced by lysine, an amino acid with similar properties. This amino acid position is conserved. In addition, in silico predictors for this gene do not accurately predict pathogenicity. Based on the available evidence, the clinical significance of this variant remains unclear.